The following is an entry in ClinVar:

NM_001199397.3(NEK1):c.244T>A (p.Tyr82Asn)

Gene: NEK1 (NIMA related kinase 1; minus strand). Cytogenetic location: 4q33.
Variant type: single nucleotide variant.
Coding change: c.244T>A on transcript NM_001199397.3 (MANE Select); coding-DNA position 244, T replaced by A.
Protein change: p.Tyr82Asn; replaces tyrosine 82 with asparagine.
Molecular consequence: missense variant.
Genome position (GRCh38, 1-based): chr4:169,599,168, A>T on the plus strand (T>A on the coding strand, the complement: NEK1 is on the minus strand). VCF-style: chr4-169599168-A-T. GRCh37 (hg19) VCF-style: chr4-170520319-A-T.
Other names: p.Tyr82Asn; c.244T>A, p.Tyr82Asn (NM_001199398.3, NM_001199399.3, NM_001199400.3 and 7 more transcripts); c.244T>A (NM_001199397.2); short protein forms Y82N.
Identifiers: ClinVar variation 1419880 (VCV001419880.10), dbSNP rs1017114230, ClinGen allele CA109924725.

ClinVar aggregate classification (germline): Uncertain significance. Review status: criteria provided, multiple submitters, no conflicts (2 of 4 stars). 2 submissions from 2 submitters: Uncertain significance (2). Last evaluated 2023-02-17.

Conditions:
Short-rib thoracic dysplasia 6 with or without polydactyly (SRTD6). Also called: Majewski Syndrome; SHORT-RIB THORACIC DYSPLASIA 6 WITH POLYDACTYLY; SHORT-RIB THORACIC DYSPLASIA 6 WITHOUT POLYDACTYLY; SHORT RIB-POLYDACTYLY SYNDROME, TYPE IIA; POLYDACTYLY WITH NEONATAL CHONDRODYSTROPHY, TYPE II. Identifiers: MedGen C0024507, MONDO:0009894, OMIM 263520.

Allele frequency attached by ClinVar (database versions not stated): gnomAD exomes below 0.00001.
gnomAD v4.1: 1 of 1,613,176 alleles (0.000062%); highest among the groups gnomAD compares: Admixed American, 0.0017%; no homozygotes.

Submissions (2):

Mayo Clinic Laboratories, Mayo Clinic
Classification: Uncertain significance. Last evaluated: 2023-02-17. Review status: criteria provided, single submitter. Criteria: ACMG Guidelines, 2015. Collection method: clinical testing. Allele origin: germline. Observed: 1 variant allele.
Comment: PM2_supporting

Labcorp Genetics (formerly Invitae), Labcorp
Classification: Uncertain significance for Short-rib thoracic dysplasia 6 with or without polydactyly. Last evaluated: 2021-06-07. Review status: criteria provided, single submitter. Criteria: Invitae Variant Classification Sherloc (09022015). Collection method: clinical testing. Allele origin: germline.
Comment: In summary, the available evidence is currently insufficient to determine the role of this variant in disease. Therefore, it has been classified as a Variant of Uncertain Significance. Advanced modeling of protein sequence and biophysical properties (such as structural, functional, and spatial information, amino acid conservation, physicochemical variation, residue mobility, and thermodynamic stability) performed at Invitae indicates that this missense variant is expected to disrupt NEK1 protein function. This variant has not been reported in the literature in individuals with NEK1-related conditions. This variant is not present in population databases (ExAC no frequency). This sequence change replaces tyrosine with asparagine at codon 82 of the NEK1 protein (p.Tyr82Asn). The tyrosine residue is highly conserved and there is a large physicochemical difference between tyrosine and asparagine.